The following is an entry in ClinVar:

NM_001033044.4(GLUL):c.*1762A>G

Gene: GLUL (glutamate-ammonia ligase; minus strand). Cytogenetic location: 1q25.3.
Variant type: single nucleotide variant.
Coding change: c.*1762A>G on transcript NM_001033044.4 (MANE Select); 1762 bases downstream of the stop codon, A replaced by G.
Molecular consequence: 3 prime UTR variant.
Genome position (GRCh38, 1-based): chr1:182,382,643, T>C on the plus strand (A>G on the coding strand, the complement: GLUL is on the minus strand). VCF-style: chr1-182382643-T-C. GRCh37 (hg19) VCF-style: chr1-182351778-T-C.
Other names: c.*1762A>G (NM_001033056.4, NM_002065.7).
Identifiers: ClinVar variation 293906 (VCV000293906.5), dbSNP rs138138013, ClinGen allele CA10608885.
Genomic context (GRCh38, chr1:182,382,643, plus strand): 5'-AATGTTATGGTAAGCCAAAACCAAACTCAGGGGAGCAAAGGAAGGGGGAGGAGTGGGGCT[T>C]GTACCCTGCTACAAACCTCTAGGCTAGGAAATGCCAAGATTGTGTGTAACTAAGTCTAGG-3'

ClinVar aggregate classification (germline): Likely benign (1 of 4 stars; one submission).

Conditions:
Congenital brain dysgenesis due to glutamine synthetase deficiency (GLND). Also called: GLUTAMINE SYNTHASE DEFICIENCY, CONGENITAL SYSTEMIC. Identifiers: Orphanet 71278, MedGen C1864910, MONDO:0012393, OMIM 610015.

Allele frequency attached by ClinVar (database versions not stated): 1000 Genomes Project 30x 0.00281; gnomAD 0.00623 and 0.00633; 1000 Genomes Project 0.00280; TOPMed 0.00495; gnomAD exomes 0.01515.

Submission:

Illumina Laboratory Services, Illumina
Classification: Likely benign for Congenital brain dysgenesis due to glutamine synthetase deficiency. Last evaluated: 2018-01-13. Review status: criteria provided, single submitter. Criteria: ICSL Variant Classification Criteria 13 December 2019. Collection method: clinical testing. Allele origin: germline.
Comment: This variant was observed in the ICSL laboratory as part of a predisposition screen in an ostensibly healthy population. It had not been previously curated by ICSL or reported in the Human Gene Mutation Database (HGMD: prior to June 1st, 2018), and was therefore a candidate for classification through an automated scoring system. Utilizing variant allele frequency, disease prevalence and penetrance estimates, and inheritance mode, an automated score was calculated to assess if this variant is too frequent to cause the disease. Based on the score and internal cut-off values, a variant classified as likely benign is not then subjected to further curation. The score for this variant resulted in a classification of likely benign for this disease.